The following is an entry in ClinVar:

ClinVar aggregate classification (germline): Uncertain significance. Review status: criteria provided, multiple submitters, no conflicts (2 of 4 stars). 3 submissions from 3 submitters: Uncertain significance (3). Last evaluated 2023-02-08.

Conditions:
Autosomal recessive limb-girdle muscular dystrophy type 2D (LGMDR3). Also called: MUSCULAR DYSTROPHY, LIMB-GIRDLE, AUTOSOMAL RECESSIVE 3; DUCHENNE-LIKE AUTOSOMAL RECESSIVE MUSCULAR DYSTROPHY, TYPE 2; ADHALINOPATHY, PRIMARY. Identifiers: Orphanet 62, MedGen C2936332, MONDO:0011968, OMIM 608099. Disease mechanism: Affects gamma-sarcoglycan and also disrupts the integrity of the entire sarcoglycan complex..

Allele frequency attached by ClinVar (database versions not stated): TOPMed 0.00001; gnomAD exomes 0.00002; ExAC 0.00003; ESP Exome Variant Server 0.00008.
gnomAD v4.1: 11 of 1,613,782 alleles (0.00068%); highest among the groups gnomAD compares: East Asian, 0.0045%; 1 homozygote.

Submissions (3):

Genome-Nilou Lab
Classification: Uncertain significance for Autosomal recessive limb-girdle muscular dystrophy type 2D. Last evaluated: 2023-02-08. Review status: criteria provided, single submitter. Criteria: ACMG Guidelines, 2015. Collection method: clinical testing. Allele origin: germline.

Labcorp Genetics (formerly Invitae), Labcorp
Classification: Uncertain significance for Autosomal recessive limb-girdle muscular dystrophy type 2D. Last evaluated: 2021-09-02. Review status: criteria provided, single submitter. Criteria: Invitae Variant Classification Sherloc (09022015). Collection method: clinical testing. Allele origin: germline.
Comment: This sequence change replaces arginine with histidine at codon 77 of the SGCA protein (p.Arg77His). The arginine residue is highly conserved and there is a small physicochemical difference between arginine and histidine. This variant is present in population databases (rs369340251, ExAC 0.01%), including at least one homozygous and/or hemizygous individual. This variant has not been reported in the literature in individuals affected with SGCA-related conditions. ClinVar contains an entry for this variant (Variation ID: 196199). Algorithms developed to predict the effect of missense changes on protein structure and function output the following: SIFT: "Tolerated"; PolyPhen-2: "Benign"; Align-GVGD: "Class C0". The histidine amino acid residue is found in multiple mammalian species, which suggests that this missense change does not adversely affect protein function. This variant disrupts the p.Arg77 amino acid residue in SGCA. Other variant(s) that disrupt this residue have been determined to be pathogenic (PMID: 7657792, 15298081, 16787395, 18252745, 18285821). This suggests that this residue is clinically significant, and that variants that disrupt this residue are likely to be disease-causing. In summary, the available evidence is currently insufficient to determine the role of this variant in disease. Therefore, it has been classified as a Variant of Uncertain Significance.

Eurofins Ntd Llc (ga)
Classification: Uncertain significance. Last evaluated: 2015-02-06. Review status: criteria provided, single submitter. Criteria: EGL Classification Definitions 2015. Collection method: clinical testing. Allele origin: germline. Observed: 1 variant allele, 1 heterozygote.

Literature cited by the submitters: PubMed 7657792 (cited by Labcorp Genetics (formerly Invitae), Labcorp); PubMed 15298081 (cited by Labcorp Genetics (formerly Invitae), Labcorp); PubMed 16787395 (cited by Labcorp Genetics (formerly Invitae), Labcorp); PubMed 18252745 (cited by Labcorp Genetics (formerly Invitae), Labcorp); PubMed 18285821 (cited by Labcorp Genetics (formerly Invitae), Labcorp).

NM_000023.4(SGCA):c.230G>A (p.Arg77His)

Gene: SGCA (sarcoglycan alpha; plus strand). Cytogenetic location: 17q21.33.
Variant type: single nucleotide variant.
Coding change: c.230G>A on transcript NM_000023.4 (MANE Select); coding-DNA position 230, G replaced by A.
Protein change: p.Arg77His; replaces arginine 77 with histidine.
Molecular consequence: missense variant. On other transcripts: non-coding transcript variant (1).
Genome position (GRCh38, 1-based): chr17:50,167,654, G>A. VCF-style: chr17-50167654-G-A. GRCh37 (hg19) VCF-style: chr17-48245015-G-A.
Other names: c.230G>A, p.Arg77His (NM_001135697.3); short protein forms R77H.
Identifiers: ClinVar variation 196199 (VCV000196199.7), dbSNP rs369340251, ClinGen allele CA243079.
Genomic context (GRCh38, chr17:50,167,654, plus strand): 5'-CTGTCCACATCACCTACCACGCCCACCTCCAGGGACACCCAGACCTGCCCCGGTGGCTCC[G>A]CTACACCCAGCGCAGCCCCCACCACCCTGGCTTCCTCTACGGCTCTGCCACCCCAGAAGA-3'
Protein context (NP_000014.1, residues 67-87): QGHPDLPRWL[Arg77His]YTQRSPHHPG